The following is an entry in ClinVar:

NM_057175.5(NAA15):c.1855A>T (p.Lys619Ter)

Gene: NAA15 (N-alpha-acetyltransferase 15, NatA auxiliary subunit; plus strand). Cytogenetic location: 4q31.1.
Variant type: single nucleotide variant.
Coding change: c.1855A>T on transcript NM_057175.5 (MANE Select); coding-DNA position 1855, A replaced by T.
Protein change: p.Lys619Ter; replaces lysine 619 with a stop codon.
Molecular consequence: nonsense.
Genome position (GRCh38, 1-based): chr4:139,370,312, A>T. VCF-style: chr4-139370312-A-T. GRCh37 (hg19) VCF-style: chr4-140291466-A-T.
Other names: short protein forms K619*.
Identifiers: ClinVar variation 620290 (VCV000620290.2), dbSNP rs1560977811, ClinGen allele CA358269572.

ClinVar aggregate classification (germline): Likely pathogenic (1 of 4 stars; one submission).

Submission:

GeneDx
Classification: Likely pathogenic. Last evaluated: 2019-12-13. Review status: criteria provided, single submitter. Criteria: GeneDx Variant Classification Process June 2021. Collection method: clinical testing. Allele origin: germline. Affected: yes.
Comment: Nonsense variant predicted to result in protein truncation or nonsense mediated decay in a gene for which loss-of-function is a known mechanism of disease; Not observed in large population cohorts (Lek et al., 2016); Has not been previously published as pathogenic or benign to our knowledge